The following is an entry in ClinVar:

ClinVar aggregate classification (germline): Pathogenic (1 of 4 stars; one submission).

Conditions:
Peroxisome biogenesis disorder 3A (Zellweger). Also called: PEROXISOMAL BIOGENESIS DISORDER 3A (ZELLWEGER); Peroxisome biogenesis disorder 3A. Identifiers: Orphanet 912, MedGen C3553929, MONDO:0013927, OMIM 614859.

Submission:

Labcorp Genetics (formerly Invitae), Labcorp
Classification: Pathogenic for Peroxisome biogenesis disorder 3A (Zellweger). Last evaluated: 2024-02-06. Review status: criteria provided, single submitter. Criteria: Invitae Variant Classification Sherloc (09022015). Collection method: clinical testing. Allele origin: germline.
Comment: This sequence change creates a premature translational stop signal (p.Ala162Profs*5) in the PEX12 gene. It is expected to result in an absent or disrupted protein product. Loss-of-function variants in PEX12 are known to be pathogenic (PMID: 9090384, 9632816, 21031596). This variant is not present in population databases (gnomAD no frequency). This variant has not been reported in the literature in individuals affected with PEX12-related conditions. For these reasons, this variant has been classified as Pathogenic.

Literature cited by the submitters: PubMed 9090384; PubMed 9632816; PubMed 21031596.

NM_000286.3(PEX12):c.483del (p.Ala162fs)

Gene: PEX12 (peroxisomal biogenesis factor 12; minus strand). Cytogenetic location: 17q12.
Variant type: Deletion.
Coding change: c.483del on transcript NM_000286.3 (MANE Select); coding-DNA position 483, one base deleted (A; older notation c.483delA).
Protein change: p.Ala162fs; shifts the reading frame from alanine 162.
Molecular consequence: frameshift variant.
Genome position (GRCh38, 1-based): chr17:35,577,235, T deleted on the plus strand (A on the coding strand, the reverse complement: PEX12 is on the minus strand). VCF-style (leftmost placement, unchanged base first): chr17-35577234-CT-C. GRCh37 (hg19) VCF-style: chr17-33904253-CT-C.
Other names: short protein forms A162fs.
Identifiers: ClinVar variation 3639162 (VCV003639162.2).
Genomic context (GRCh38, chr17:35,577,234, plus strand): 5'-TGTATCGAAGTTGTTGTACAAGAAACCATCCTTCCCAGGCCATGTTCACAAATGGGTAGG[CT>C]GCCAGGAAAGCTCTGTAAAATCGTTTCCAGCGGGAAGAAGGGGGATGAATAGAATATTCA-3'